The following is an entry in ClinVar:

ClinVar aggregate classification (germline): Pathogenic (1 of 4 stars; one submission).

Conditions:
Leigh syndrome (NULS). Also called: Subacute necrotizing encephalopathy; Necrotizing encephalopathy infantile subacute of Leigh; Leigh's necrotizing encephalopathy; Leigh's disease; Leigh Syndrome (mtDNA deletion); Leigh's syndrome. Identifiers: Orphanet 506, MedGen C2931891, MONDO:0009723, OMIM 256000.

Submission:

Labcorp Genetics (formerly Invitae), Labcorp
Classification: Pathogenic for Leigh syndrome. Last evaluated: 2022-10-09. Review status: criteria provided, single submitter. Criteria: Invitae Variant Classification Sherloc (09022015). Collection method: clinical testing. Allele origin: germline.
Comment: Studies have shown that disruption of this splice site alters SURF1 gene expression (PMID: 11288709). For these reasons, this variant has been classified as Pathogenic. Algorithms developed to predict the effect of sequence changes on RNA splicing suggest that this variant may disrupt the consensus splice site. This variant is also known as G603-1C. Disruption of this splice site has been observed in individual(s) with Leigh syndrome (PMID: 11288709). This variant is not present in population databases (gnomAD no frequency). This sequence change affects an acceptor splice site in intron 6 of the SURF1 gene. It is expected to disrupt RNA splicing. Variants that disrupt the donor or acceptor splice site typically lead to a loss of protein function (PMID: 16199547), and loss-of-function variants in SURF1 are known to be pathogenic (PMID: 10443880, 22488715, 24027061).

Literature cited by the submitters: PubMed 11288709; PubMed 16199547; PubMed 10443880; PubMed 22488715; PubMed 24027061.

NM_003172.4(SURF1):c.589-1G>C

Gene: SURF1 (SURF1 cytochrome c oxidase assembly factor; minus strand). Cytogenetic location: 9q34.2.
Variant type: single nucleotide variant.
Coding change: c.589-1G>C on transcript NM_003172.4 (MANE Select); the canonical splice acceptor site of the intron before coding-DNA position 589, G replaced by C.
Molecular consequence: splice acceptor variant.
Genome position (GRCh38, 1-based): chr9:133,352,609, C>G on the plus strand (G>C on the coding strand, the complement: SURF1 is on the minus strand). VCF-style: chr9-133352609-C-G. GRCh37 (hg19) VCF-style: chr9-136219464-C-G.
Other names: c.262-1G>C (NM_001280787.1).
Identifiers: ClinVar variation 2136829 (VCV002136829.4), dbSNP rs863224227, ClinGen allele CA375693947.